The following is an entry in ClinVar:

ClinVar aggregate classification (germline): Uncertain significance. Review status: criteria provided, multiple submitters, no conflicts (2 of 4 stars). 2 submissions from 2 submitters: Uncertain significance (2). Last evaluated 2025-02-28.

Conditions:
Hereditary breast ovarian cancer syndrome. Also called: Hereditary breast and ovarian cancer syndrome; Hereditary breast and ovarian cancer; Hereditary breast and ovarian cancer syndrome (HBOC); Breast and ovarian cancer; Hereditary breast and/or ovarian cancer syndrome; BRCA1- and BRCA2-Associated Hereditary Breast and Ovarian Cancer. Identifiers: Orphanet 145, MedGen C0677776, MeSH D061325, MONDO:0003582. Disease mechanism: loss of function.
Hereditary cancer-predisposing syndrome. Also called: Neoplastic Syndromes, Hereditary; Tumor predisposition; Hereditary Cancer Syndrome; Hereditary neoplastic syndrome. Identifiers: Orphanet 140162, MedGen C0027672, MeSH D009386, MONDO:0015356.

Allele frequency attached by ClinVar (database versions not stated): gnomAD exomes below 0.00001; TOPMed below 0.00001.
gnomAD v4.1: 1 of 1,611,454 alleles (0.000062%); highest among the groups gnomAD compares: African/African-American, 0.0013%; no homozygotes.

Submissions (2):

Ambry Genetics
Classification: Uncertain significance for Hereditary cancer-predisposing syndrome. Last evaluated: 2025-02-28. Review status: criteria provided, single submitter. Criteria: Ambry Variant Classification Scheme 2023. Collection method: clinical testing. Allele origin: germline.
Comment: The p.L29V variant (also known as c.85C>G), located in coding exon 2 of the BRCA2 gene, results from a C to G substitution at nucleotide position 85. The leucine at codon 29 is replaced by valine, an amino acid with highly similar properties. This amino acid position is highly conserved in available vertebrate species. In addition, this alteration is predicted to be tolerated by in silico analysis. Since supporting evidence is limited at this time, the clinical significance of this alteration remains unclear.

Labcorp Genetics (formerly Invitae), Labcorp
Classification: Uncertain significance for Hereditary breast ovarian cancer syndrome. Last evaluated: 2022-11-15. Review status: criteria provided, single submitter. Criteria: Invitae Variant Classification Sherloc (09022015). Collection method: clinical testing. Allele origin: germline.
Comment: Advanced modeling of protein sequence and biophysical properties (such as structural, functional, and spatial information, amino acid conservation, physicochemical variation, residue mobility, and thermodynamic stability) performed at Invitae indicates that this missense variant is not expected to disrupt BRCA2 protein function. ClinVar contains an entry for this variant (Variation ID: 483139). This variant has not been reported in the literature in individuals affected with BRCA2-related conditions. This variant is present in population databases (no rsID available, gnomAD 0.007%). This sequence change replaces leucine, which is neutral and non-polar, with valine, which is neutral and non-polar, at codon 29 of the BRCA2 protein (p.Leu29Val). In summary, the available evidence is currently insufficient to determine the role of this variant in disease. Therefore, it has been classified as a Variant of Uncertain Significance.

NM_000059.4(BRCA2):c.85C>G (p.Leu29Val)

Gene: BRCA2 (BRCA2 DNA repair associated; plus strand). Cytogenetic location: 13q13.1.
Variant type: single nucleotide variant.
Coding change: c.85C>G on transcript NM_000059.4 (MANE Select); coding-DNA position 85, C replaced by G.
Protein change: p.Leu29Val; replaces leucine 29 with valine.
Molecular consequence: missense variant.
Genome position (GRCh38, 1-based): chr13:32,319,094, C>G. VCF-style: chr13-32319094-C-G. GRCh37 (hg19) VCF-style: chr13-32893231-C-G.
Other names: short protein forms L29V.
Identifiers: ClinVar variation 483139 (VCV000483139.15), dbSNP rs1424422846, ClinGen allele CA387754079.
Genomic context (GRCh38, chr13:32,319,094, plus strand): 5'-CTGTCACTGGTTAAAACTAAGGTGGGATTTTTTTTTTAAATAGATTTAGGACCAATAAGT[C>G]TTAATTGGTTTGAAGAACTTTCTTCAGAAGCTCCACCCTATAATTCTGAACCTGCAGAAG-3'
Protein context (NP_000050.3, residues 19-39): CNKADLGPIS[Leu29Val]NWFEELSSEA